The following is an entry in ClinVar:

NM_001009944.3(PKD1):c.12492C>A (p.Arg4164=)

Gene: PKD1 (polycystin 1, transient receptor potential channel interacting; minus strand). Cytogenetic location: 16p13.3.
Variant type: single nucleotide variant.
Coding change: c.12492C>A on transcript NM_001009944.3 (MANE Select); coding-DNA position 12492, C replaced by A.
Protein change: p.Arg4164=; no amino-acid change (arginine 4164 retained).
Molecular consequence: synonymous variant.
Genome position (GRCh38, 1-based): chr16:2,090,147, G>T on the plus strand (C>A on the coding strand, the complement: PKD1 is on the minus strand). VCF-style: chr16-2090147-G-T. GRCh37 (hg19) VCF-style: chr16-2140148-G-T.
Other names: c.12489C>A, p.Arg4163= (NM_000296.4).
Identifiers: ClinVar variation 4990127 (VCV004990127.1).

ClinVar aggregate classification (germline): Likely benign (1 of 4 stars; one submission).

Conditions:
PKD1-related disorder. Also called: PKD1-related condition.

Submission:

PreventionGenetics, part of Exact Sciences
Classification: Likely benign for PKD1-related condition. Last evaluated: 2025-07-31. Review status: criteria provided, single submitter. Criteria: ACMG Guidelines, 2015. Collection method: clinical testing. Allele origin: germline.
Comment: This variant is classified as likely benign based on ACMG/AMP sequence variant interpretation guidelines (Richards et al. 2015 PMID: 25741868, with internal and published modifications).